The following is an entry in ClinVar:

ClinVar aggregate classification (germline): Uncertain significance (1 of 4 stars; one submission).

Conditions:
Acrocallosal syndrome (ACLS). Also called: HALLUX DUPLICATION, POSTAXIAL POLYDACTYLY, AND ABSENCE OF CORPUS CALLOSUM; Schinzel syndrome 1; Absence of corpus callosum with unusual facial appearance, mental deficiency, duplication of the halluces and polydactyly. Identifiers: Orphanet 36, MedGen C0796147, MONDO:0008708, OMIM 200990.

Allele frequency attached by ClinVar (database versions not stated): gnomAD exomes below 0.00001.
gnomAD v4.1: 1 of 1,612,652 alleles (0.000062%); highest among the groups gnomAD compares: African/African-American, 0.0013%; no homozygotes.

Submission:

Labcorp Genetics (formerly Invitae), Labcorp
Classification: Uncertain significance for Acrocallosal syndrome. Last evaluated: 2022-11-01. Review status: criteria provided, single submitter. Criteria: Invitae Variant Classification Sherloc (09022015). Collection method: clinical testing. Allele origin: germline.
Comment: In summary, the available evidence is currently insufficient to determine the role of this variant in disease. Therefore, it has been classified as a Variant of Uncertain Significance. Advanced modeling of protein sequence and biophysical properties (such as structural, functional, and spatial information, amino acid conservation, physicochemical variation, residue mobility, and thermodynamic stability) performed at Invitae indicates that this missense variant is not expected to disrupt KIF7 protein function. ClinVar contains an entry for this variant (Variation ID: 1361341). This variant has not been reported in the literature in individuals affected with KIF7-related conditions. This variant is not present in population databases (gnomAD no frequency). This sequence change replaces leucine, which is neutral and non-polar, with proline, which is neutral and non-polar, at codon 540 of the KIF7 protein (p.Leu540Pro).

NM_198525.3(KIF7):c.1619T>C (p.Leu540Pro)

Gene: KIF7 (kinesin family member 7; minus strand). Cytogenetic location: 15q26.1.
Variant type: single nucleotide variant.
Coding change: c.1619T>C on transcript NM_198525.3 (MANE Select); coding-DNA position 1619, T replaced by C.
Protein change: p.Leu540Pro; replaces leucine 540 with proline.
Molecular consequence: missense variant.
Genome position (GRCh38, 1-based): chr15:89,646,999, A>G on the plus strand (T>C on the coding strand, the complement: KIF7 is on the minus strand). VCF-style: chr15-89646999-A-G. GRCh37 (hg19) VCF-style: chr15-90190230-A-G.
Other names: short protein forms L540P.
Identifiers: ClinVar variation 1361341 (VCV001361341.8), dbSNP rs2142025143, ClinGen allele CA393767787.